The following is an entry in ClinVar:

NM_152269.5(MTRFR):c.430_432del (p.Arg144del)

Gene: MTRFR (mitochondrial translation release factor in rescue; plus strand). Cytogenetic location: 12q24.31.
Variant type: Deletion.
Coding change: c.430_432del on transcript NM_152269.5 (MANE Select); coding-DNA positions 430 to 432, 3 bases deleted (AGA; older notation c.430_432delAGA).
Protein change: p.Arg144del; deletes arginine 144.
Molecular consequence: inframe deletion.
Genome position (GRCh38, 1-based): chr12:123,256,960-123,256,962, AGA deleted; deleting any 3 consecutive bases within chr12:123,256,959-123,256,962 gives the same sequence; the c. name uses the placement nearest the transcript's 3' end. VCF-style (leftmost placement, unchanged base first): chr12-123256958-AAAG-A. GRCh37 (hg19) VCF-style: chr12-123741505-AAAG-A.
Other names: c.430_432del, p.Arg144del (NM_001143905.2, NM_001194995.1); short protein forms R144del.
Identifiers: ClinVar variation 2183011 (VCV002183011.4), dbSNP rs1371388449, ClinGen allele CA608232714.

ClinVar aggregate classification (germline): Uncertain significance (1 of 4 stars; one submission).

Conditions:
Spastic paraplegia. Identifiers: MedGen C0037772, HP:0001258.
Combined oxidative phosphorylation defect type 7. Identifiers: Orphanet 254930, MedGen C3150801, MONDO:0013306, OMIM 613559.

Submission:

Labcorp Genetics (formerly Invitae), Labcorp
Classification: Uncertain significance for Combined oxidative phosphorylation defect type 7; Spastic paraplegia. Last evaluated: 2021-12-24. Review status: criteria provided, single submitter. Criteria: Invitae Variant Classification Sherloc (09022015). Collection method: clinical testing. Allele origin: germline.
Comment: Experimental studies and prediction algorithms are not available or were not evaluated, and the functional significance of this variant is currently unknown. This variant has not been reported in the literature in individuals affected with C12orf65-related conditions. The frequency data for this variant in the population databases is considered unreliable, as metrics indicate poor data quality at this position in the gnomAD database. This variant, c.430_432del, results in the deletion of 1 amino acid(s) of the C12orf65 protein (p.Arg144del), but otherwise preserves the integrity of the reading frame. In summary, the available evidence is currently insufficient to determine the role of this variant in disease. Therefore, it has been classified as a Variant of Uncertain Significance.